The following is an entry in ClinVar:

NM_001267550.2(TTN):c.6981T>C (p.Asp2327=)

Genes: TTN (titin; minus strand), LOC126806433 (BRD4-independent group 4 enhancer GRCh37_chr2:179638309-179639508; plus strand). Cytogenetic location: 2q31.2.
Variant type: single nucleotide variant.
Coding change: c.6981T>C on transcript NM_001267550.2 (MANE Select); coding-DNA position 6981, T replaced by C.
Protein change: p.Asp2327=; no amino-acid change (aspartic acid 2327 retained).
Molecular consequence: synonymous variant.
Genome position (GRCh38, 1-based): chr2:178,774,283, A>G on the plus strand (T>C on the coding strand, the complement: TTN is on the minus strand). VCF-style: chr2-178774283-A-G. GRCh37 (hg19) VCF-style: chr2-179639010-A-G.
Other names: p.Asp2327=; c.6981T>C, p.Asp2327= (NM_001256850.1, NM_133379.5, NM_133378.4); c.6843T>C, p.Asp2281= (NM_003319.4, NM_133432.3, NM_133437.4).
Identifiers: ClinVar variation 47357 (VCV000047357.18), dbSNP rs397517709, ClinGen allele CA140778.

ClinVar aggregate classification (germline): Likely benign. Review status: criteria provided, multiple submitters, no conflicts (2 of 4 stars). 4 submissions from 4 submitters: Likely benign (4). Last evaluated 2025-07-29.

Conditions:
Cardiovascular phenotype. Identifiers: MedGen CN230736.
Dilated cardiomyopathy 1G (CMD1G). Identifiers: Orphanet 154, MedGen C1858763, MONDO:0011400, OMIM 604145.
Autosomal recessive limb-girdle muscular dystrophy type 2J (LGMDR10). Also called: Limb-girdle muscular dystrophy, type 2J; MUSCULAR DYSTROPHY, LIMB-GIRDLE, AUTOSOMAL RECESSIVE 10. Identifiers: Orphanet 140922, MedGen C1837342, MONDO:0012127, OMIM 608807.

Allele frequency attached by ClinVar (database versions not stated): gnomAD exomes 0.00001.
gnomAD v4.1: 15 of 1,614,058 alleles (0.00093%); highest among the groups gnomAD compares: Admixed American, 0.0017%; no homozygotes.

Submissions (4):

Ambry Genetics
Classification: Likely benign for Cardiovascular phenotype. Last evaluated: 2025-07-29. Review status: criteria provided, single submitter. Criteria: Ambry Variant Classification Scheme 2023. Collection method: clinical testing. Allele origin: germline.

Mayo Clinic Laboratories, Mayo Clinic
Classification: Likely benign. Last evaluated: 2025-04-30. Review status: criteria provided, single submitter. Criteria: ACMG Guidelines, 2015. Collection method: clinical testing. Allele origin: germline. Observed: 1 variant allele.
Comment: BP4, BP7

Labcorp Genetics (formerly Invitae), Labcorp
Classification: Likely benign for Dilated cardiomyopathy 1G; Autosomal recessive limb-girdle muscular dystrophy type 2J. Last evaluated: 2023-07-17. Review status: criteria provided, single submitter. Criteria: Invitae Variant Classification Sherloc (09022015). Collection method: clinical testing. Allele origin: germline.

Laboratory for Molecular Medicine, Mass General Brigham Personalized Medicine
Classification: Likely benign. Last evaluated: 2012-04-30. Review status: criteria provided, single submitter. Criteria: LMM Criteria. Collection method: clinical testing. Allele origin: germline. Observed: 1 variant allele.
Comment: Asp2327Asp in exon 30 of TTN: This variant is not expected to have clinical sign ificance because it does not alter an amino acid residue and it is not located w ithin the splice consensus sequence. Asp2327Asp in exon 30 of TTN (allele frequ ency = n/a)